The following is an entry in ClinVar:

NM_012197.4(RABGAP1):c.2621T>C (p.Leu874Pro)

Gene: RABGAP1 (RAB GTPase activating protein 1; plus strand). Cytogenetic location: 9q33.2.
Variant type: single nucleotide variant.
Coding change: c.2621T>C on transcript NM_012197.4 (MANE Select); coding-DNA position 2621, T replaced by C.
Protein change: p.Leu874Pro; replaces leucine 874 with proline.
Molecular consequence: missense variant.
Genome position (GRCh38, 1-based): chr9:123,090,378, T>C. VCF-style: chr9-123090378-T-C. GRCh37 (hg19) VCF-style: chr9-125852657-T-C.
Other names: short protein forms L874P.
Identifiers: ClinVar variation 3363602 (VCV003363602.1).
Genomic context (GRCh38, chr9:123,090,378, plus strand): 5'-AGGAAAACGATGACTTAGCCCATGAGCTGGTGACCAGCAAGATTGCACTACGGAAGGACC[T>C]GGATAACGTAAGTCCAACGGGTCTGAAGGGAAAGATCTCACTGAGACACTTGACTTTTCC-3'
Protein context (NP_036329.3, residues 864-884): VTSKIALRKD[Leu874Pro]DNAEEKADAL

ClinVar aggregate classification (germline): Uncertain significance (1 of 4 stars; one submission).

gnomAD v4.1: 1 of 1,608,960 alleles (0.000062%); highest among the groups gnomAD compares: Non-Finnish European, 0.000085%; no homozygotes.

Submission:

GeneDx
Classification: Uncertain significance. Last evaluated: 2023-10-30. Review status: criteria provided, single submitter. Criteria: GeneDx Variant Classification Process June 2021. Collection method: clinical testing. Allele origin: germline. Affected: yes.
Comment: Has not been previously published as pathogenic or benign to our knowledge; Not observed at significant frequency in large population cohorts (gnomAD); In silico analysis supports that this missense variant has a deleterious effect on protein structure/function; Variants in candidate genes are classified as variants of uncertain significance in accordance with ACMG guidelines (PMID: 25741868)